The following is an entry in ClinVar:

ClinVar aggregate classification (germline): Pathogenic/Likely pathogenic. Review status: criteria provided, multiple submitters, no conflicts (2 of 4 stars). 11 submissions from 11 submitters: Pathogenic (9); Likely pathogenic (1). 1 of the submissions does not count toward it. Last evaluated 2026-02-10.

Conditions:
Lethal acantholytic epidermolysis bullosa (EBLA). Identifiers: Orphanet 158687, MedGen C1864826, MONDO:0012323, OMIM 609638.
Arrhythmogenic right ventricular dysplasia 8 (ARVD8). Also called: ARRHYTHMOGENIC RIGHT VENTRICULAR DYSPLASIA, FAMILIAL, 8; Arrhythmogenic Right Ventricular Dysplasia/Cardiomyopathy 8; ARRHYTHMOGENIC RIGHT VENTRICULAR CARDIOMYOPATHY 8. Identifiers: MedGen C1843896, MONDO:0011831, OMIM 607450.
Arrhythmogenic cardiomyopathy with wooly hair and keratoderma. Also called: Dilated cardiomyopathy with woolly hair and keratoderma; PALMOPLANTAR KERATODERMA WITH LEFT VENTRICULAR CARDIOMYOPATHY AND WOOLLY HAIR; Carvajal syndrome; Arrhythmogenic cardiomyopathy with woolly hair and keratoderma. Identifiers: Orphanet 65282, MedGen C1854063, MONDO:0011581, OMIM 605676.
Cardiovascular phenotype. Identifiers: MedGen CN230736.
Cardiomyopathy (CMYO). Also called: Cardiomyopathies. Identifiers: Orphanet 167848, MedGen C0878544, MONDO:0004994, HP:0001638. Inheritance: Various modes of inheritance.
Primary dilated cardiomyopathy (DCM). Also called: Dilated Cardiomyopathy. Identifiers: Orphanet 217604, MedGen C0007193, MeSH D002311, MONDO:0005021, HP:0001644. Inheritance: Various modes of inheritance.

Submissions (11):

Ambry Genetics
Classification: Pathogenic for Cardiovascular phenotype. Last evaluated: 2026-02-10. Review status: criteria provided, single submitter. Criteria: Ambry Variant Classification Scheme 2023. Collection method: clinical testing. Allele origin: germline.
Comment: The p.R1934* pathogenic mutation (also known as c.5800C>T), located in coding exon 24 of the DSP gene, results from a C to T substitution at nucleotide position 5800. This changes the amino acid from an arginine to a stop codon within coding exon 24. This variant was reported in individual(s) with features consistent with DSP-related cardiocutaneous spectrum disorders including dilated cardiomyopathy, arrhythmogenic right ventricular cardiomyopathy, or cutaneous findings, as well as lethal acantholytic epidermolysis bullosa in an individual with a second DSP variant (Dal Ferro M et al. Heart, 2017 Nov;103:1704-1710; Hylind RJ et al. Circ Genom Precis Med, 2019 Mar;12:e002463; Stava TT et al. Eur J Prev Cardiol, 2022 Oct;29:1789-1799; Hoorntje ET et al. Circ Genom Precis Med, 2023 Feb;16:e003672). This variant is considered to be rare based on population cohorts in the Genome Aggregation Database (gnomAD). This alteration is expected to result in loss of function by premature protein truncation or nonsense-mediated mRNA decay. As such, this alteration is interpreted as a disease-causing mutation.

Genomic Medicine Center of Excellence, King Faisal Specialist Hospital and Research Centre
Classification: Likely pathogenic for Arrhythmogenic cardiomyopathy with wooly hair and keratoderma. Last evaluated: 2025-09-10. Review status: criteria provided, single submitter. Criteria: ACMG Guidelines, 2015. Collection method: clinical testing. Allele origin: germline.

Color Diagnostics, LLC DBA Color Health
Classification: Pathogenic for Cardiomyopathy. Last evaluated: 2025-08-07. Review status: criteria provided, single submitter. Criteria: ACMG Guidelines, 2015. Collection method: clinical testing. Allele origin: germline.
Comment: This variant changes 1 nucleotide in exon 24 of the DSP gene, creating a premature translation stop signal in the last exon. This variant disrupts plakin repeat domains A, B and C (a.a. 1960-2822), as well as amino acids at the C-terminal extremity of the protein have been reported to be essential for coalignment and binding of intermediate filaments (PMID: 12101406, 12802069, 21756917). This variant is expected to result in non-functional protein product. This variant has been reported in multiple individuals affected with arrhythmogenic right ventricular cardiomyopathy (PMID: 20400443, 37450050), dilated cardiomyopathy (PMID: 28416588), and other DSP-associated conditions (PMID: 30919684, 37450050). This variant has not been identified in the general population by the Genome Aggregation Database (gnomAD). Loss of DSP function is a known mechanism of disease. Based on the available evidence, this variant is classified as Pathogenic.

GeneDx
Classification: Pathogenic. Last evaluated: 2025-06-09. Review status: criteria provided, single submitter. Criteria: GeneDx Variant Classification Process June 2021. Collection method: clinical testing. Allele origin: germline. Affected: yes.
Comment: Reported in a patient with normal electrocardiographic and cardiac imaging studies but a history of plantar pain and pruritus with erythema and keratoderma on examination (PMID: 30919684); Not observed at significant frequency in large population cohorts (gnomAD); Nonsense variant predicted to result in protein truncation in a gene for which loss of function is a known mechanism of disease; This variant is associated with the following publications: (PMID: 19924139, 17531221, 36580316, 28416588, 20738328, 27532257, 20400443, 16175511, 31402444, 31514951, 30919684, 28527814, 36396199, 35653365)

Labcorp Genetics (formerly Invitae), Labcorp
Classification: Pathogenic for Arrhythmogenic cardiomyopathy with wooly hair and keratoderma; Arrhythmogenic right ventricular dysplasia 8. Last evaluated: 2025-04-09. Review status: criteria provided, single submitter. Criteria: Invitae Variant Classification Sherloc (09022015). Collection method: clinical testing. Allele origin: germline.
Comment: This sequence change creates a premature translational stop signal (p.Arg1934*) in the DSP gene. While this is not anticipated to result in nonsense mediated decay, it is expected to disrupt the last 938 amino acid(s) of the DSP protein. This variant is not present in population databases (gnomAD no frequency). This premature translational stop signal has been observed in individual(s) with DSP-related conditions (PMID: 16175511, 28416588, 30919684). ClinVar contains an entry for this variant (Variation ID: 16843). This variant disrupts a region of the DSP protein in which other variant(s) (p.Gln2730Serfs*16) have been determined to be pathogenic (PMID: 27532257, 28527814). This suggests that this is a clinically significant region of the protein, and that variants that disrupt it are likely to be disease-causing. For these reasons, this variant has been classified as Pathogenic.

Victorian Clinical Genetics Services, Murdoch Childrens Research Institute
Classification: Pathogenic for Primary dilated cardiomyopathy. Last evaluated: 2024-10-24. Review status: criteria provided, single submitter. Criteria: ACMG Guidelines, 2015. Collection method: clinical testing. Allele origin: germline. Affected: yes.
Comment: This variant is classified as Pathogenic. Evidence in support of pathogenic classification: Variant is predicted to result in a truncated protein (premature termination codon is NOT located at least 54 nucleotides upstream of the final exon-exon junction) with less than 1/3 of the protein sequence affected; Variant is absent from gnomAD (v2, v3 and v4); This variant has strong previous evidence of pathogenicity in unrelated individuals. This variant has been classified as pathogenic by three clinical laboratories in ClinVar and reported in the literature in a heterozygous state in multiple individuals with DSP-related conditions such as arrhythmogenic cardiomyopathy, dilated cardiomyopathy and keratoderma. It has also been reported in a compound heterozygous state in an individual with lethal acantholytic epidermolysis bullosa (PMIDs: 20400443, 39288222, 31514951, 30919684, 16175511); Other protein truncating variants comparable to the one identified in this case have very strong previous evidence for pathogenicity. Many downstream truncating variants have been classified as pathogenic or likely pathogenic in ClinVar. Additional information: This variant is heterozygous; This gene is associated with both recessive and dominant disease. Variants in this gene are usually inherited in a dominant manner, however rare reports of recessive inheritance have resulted in a more severe cardiac phenotype (OMIM); Loss of function is a known mechanism of disease in this gene and is associated with arrhythmogenic right ventricular dysplasia 8 (MIM#607450), and other DSP-related cardiac disorders; The condition associated with this gene has incomplete penetrance. In families with cardiomyopathies, reduced penetrance has been reported among family members aged 60-86 years (PMID: 36580316); Variants in this gene are known to have variable expressivity. Age-dependent penetrance and variable expressivity are well-described aspects of arrhythmogenic cardiomyopathy (PMID: 29062697); Inheritance information for this variant is not currently available in this individual.

Dasa
Classification: Pathogenic. Last evaluated: 2024-06-13. Review status: criteria provided, single submitter. Criteria: DASA Assertion Criteria. Collection method: clinical testing. Allele origin: germline.
Comment: NM_004415.4(DSP):c.5800C>T (p.Arg1934*) introduces a premature termination codon predicted to result in loss of normal protein function. Loss-of-function is an established mechanism of disease for this gene. This variant has been reported in individuals with related phenotype. This variant has been observed in affected individuals with related phenotype in a genotype context consistent with recessive disease. The variant is present at low frequency in population datasets. Based on the available data, this variant is classified as pathogenic.

Molecular Genetics, Royal Melbourne Hospital
Classification: Pathogenic for Primary dilated cardiomyopathy. Last evaluated: 2024-05-02. Review status: criteria provided, single submitter. Criteria: ACMG Guidelines, 2015. Collection method: clinical testing. Allele origin: germline. Inheritance: Autosomal dominant inheritance. Affected: yes.
Comment: This sequence change in DSP is a nonsense variant predicted to cause a premature stop codon, p.(Arg1934*), in the last biologically relevant exon. This leads to loss of 938 amino acids from the C-terminal end of the protein (~32% of the protein) and is predicted to escape nonsense-mediated decay. However truncation of this region includes all three intermediate filament-binding sub-domains (amino acids 1946-2871), which are critical for DSP function and loss-of-function is an established disease mechanism (PMID: 16175511, 17934502, 27532257, 31514951). This variant is absent from the population database gnomAD v4.0. ClinVar contains an entry for this variant (ID: 16843). This variant has been observed in at least 4 heterozygous individuals with features of DSP-related disorders (PMID: 37450050, 20400443, 28416588, 30919684). This variant has been observed in the compound heterozygous state, confirmed in trans, with another pathogenic DSP truncating C-terminal variant (c.6370delTT) in an infant with lethal acantholytic epidermolysis bullosa (PMID: 16175511). Based on the classification scheme RMH Modified ACMG/AMP Guidelines v1.6.1, this variant is classified as PATHOGENIC. Following criteria are met: PVS1, PM3, PM2_Supporting, PS4_Supporting.

Clinical Genetics Laboratory, Skane University Hospital Lund
Classification: Pathogenic. Last evaluated: 2022-10-26. Review status: criteria provided, single submitter. Criteria: ACMG Guidelines, 2015. Collection method: clinical testing. Allele origin: germline. Affected: yes.

Institute for Medical Genetics and Human Genetics, Charité - Universitätsmedizin Berlin
Classification: Pathogenic for Arrhythmogenic cardiomyopathy with wooly hair and keratoderma; Arrhythmogenic right ventricular dysplasia 8; Lethal acantholytic epidermolysis bullosa. Review status: criteria provided, single submitter. Criteria: ACMG Guidelines, 2015. Collection method: not provided. Allele origin: germline. Affected: yes.

OMIM
Classification: Pathogenic for EPIDERMOLYSIS BULLOSA, LETHAL ACANTHOLYTIC. Last evaluated: 2005-10-01. Review status: no assertion criteria provided. Collection method: literature only. Allele origin: germline. Not counted in ClinVar's aggregate classification.

Literature cited by the submitters: PubMed 16175511 (cited by 5 submitters); PubMed 28416588 (cited by 4 submitters); PubMed 30919684 (cited by 5 submitters); PubMed 35653365 (cited by Ambry Genetics); PubMed 36580316 (cited by Ambry Genetics and Victorian Clinical Genetics Services, Murdoch Childrens Research Institute); PubMed 12101406 (cited by Color Diagnostics, LLC DBA Color Health); PubMed 12802069 (cited by Color Diagnostics, LLC DBA Color Health); PubMed 20400443 (cited by 3 submitters); PubMed 21756917 (cited by Color Diagnostics, LLC DBA Color Health); PubMed 37450050 (cited by Color Diagnostics, LLC DBA Color Health and Molecular Genetics, Royal Melbourne Hospital); PubMed 27532257 (cited by Labcorp Genetics (formerly Invitae), Labcorp and Molecular Genetics, Royal Melbourne Hospital); PubMed 28527814 (cited by Labcorp Genetics (formerly Invitae), Labcorp); PubMed 31514951 (cited by Victorian Clinical Genetics Services, Murdoch Childrens Research Institute and Molecular Genetics, Royal Melbourne Hospital); PubMed 39288222 (cited by Victorian Clinical Genetics Services, Murdoch Childrens Research Institute); PubMed 29062697 (cited by Victorian Clinical Genetics Services, Murdoch Childrens Research Institute); PubMed 17934502 (cited by Molecular Genetics, Royal Melbourne Hospital).

NM_004415.4(DSP):c.5800C>T (p.Arg1934Ter)

Gene: DSP (desmoplakin; plus strand). Cytogenetic location: 6p24.3.
Variant type: single nucleotide variant.
Coding change: c.5800C>T on transcript NM_004415.4 (MANE Select); coding-DNA position 5800, C replaced by T.
Protein change: p.Arg1934Ter; replaces arginine 1934 with a stop codon.
Molecular consequence: nonsense.
Genome position (GRCh38, 1-based): chr6:7,583,062, C>T. VCF-style: chr6-7583062-C-T. GRCh37 (hg19) VCF-style: chr6-7583295-C-T.
Other names: c.5800C>T, p.Arg1934Ter (LRG_423t1); c.4003C>T, p.Arg1335Ter (NM_001008844.3); c.4471C>T, p.Arg1491Ter (NM_001319034.2); short protein forms R1934*, R1491*, R1335*.
Identifiers: ClinVar variation 16843 (VCV000016843.22), dbSNP rs121912996, ClinGen allele CA006621.